The following is an entry in ClinVar:

NM_031844.3(HNRNPU):c.1743+1G>A

Gene: HNRNPU (heterogeneous nuclear ribonucleoprotein U; minus strand). Cytogenetic location: 1q44.
Variant type: single nucleotide variant.
Coding change: c.1743+1G>A on transcript NM_031844.3 (MANE Select); the canonical splice donor site of the intron after coding-DNA position 1743, G replaced by A.
Molecular consequence: splice donor variant.
Genome position (GRCh38, 1-based): chr1:244,856,727, C>T on the plus strand (G>A on the coding strand, the complement: HNRNPU is on the minus strand). VCF-style: chr1-244856727-C-T. GRCh37 (hg19) VCF-style: chr1-245020029-C-T.
Other names: c.1686+1G>A (NM_004501.3).
Identifiers: ClinVar variation 1515365 (VCV001515365.8), dbSNP rs2102985855, ClinGen allele CA345489664.
Genomic context (GRCh38, chr1:244,856,727, plus strand): 5'-TTCTACACCAATCTATCTAAATTATCAGTTAATATTTTTCAATTTCAAAGCTACAGCGTA[C>T]CTGATCCAGAATAAAATTTCGCTTCTTTCGGGCAGCAATCTCAATAAATTTCCCAAGACA-3'

ClinVar aggregate classification (germline): Likely pathogenic (1 of 4 stars; one submission).

Conditions:
Developmental and epileptic encephalopathy, 54. Also called: Epileptic encephalopathy, early infantile, 54; HNRNPU-Related Neurodevelopmental Disorder. Identifiers: MedGen C4479319, MONDO:0033363, OMIM 617391.

Submission:

Labcorp Genetics (formerly Invitae), Labcorp
Classification: Likely pathogenic for Developmental and epileptic encephalopathy, 54. Last evaluated: 2022-08-23. Review status: criteria provided, single submitter. Criteria: Invitae Variant Classification Sherloc (09022015). Collection method: clinical testing. Allele origin: germline.
Comment: In summary, the currently available evidence indicates that the variant is pathogenic, but additional data are needed to prove that conclusively. Therefore, this variant has been classified as Likely Pathogenic. Algorithms developed to predict the effect of sequence changes on RNA splicing suggest that this variant may disrupt the consensus splice site. ClinVar contains an entry for this variant (Variation ID: 1515365). Disruption of this splice site has been observed in individual(s) with clinical features of developmental and epileptic encephalopathy (PMID: 32319732). This variant is not present in population databases (gnomAD no frequency). This sequence change affects a donor splice site in intron 9 of the HNRNPU gene. It is expected to disrupt RNA splicing. Variants that disrupt the donor or acceptor splice site typically lead to a loss of protein function (PMID: 16199547), and loss-of-function variants in HNRNPU are known to be pathogenic (PMID: 22678713, 28283832).

Literature cited by the submitters: PubMed 32319732; PubMed 16199547; PubMed 22678713; PubMed 28283832.